The following is an entry in ClinVar:

ClinVar aggregate classification (germline): Uncertain significance (1 of 4 stars; one submission).

Submission:

Labcorp Genetics (formerly Invitae), Labcorp
Classification: Uncertain significance. Last evaluated: 2025-09-25. Review status: criteria provided, single submitter. Criteria: Invitae Variant Classification Sherloc (09022015). Collection method: clinical testing. Allele origin: germline.
Comment: This sequence change replaces aspartic acid, which is acidic and polar, with glutamic acid, which is acidic and polar, at codon 372 of the ADGRE2 protein (p.Asp372Glu). This variant is not present in population databases (gnomAD no frequency). This variant has not been reported in the literature in individuals affected with ADGRE2-related conditions. An algorithm developed to predict the effect of missense changes on protein structure and function outputs the following: PolyPhen-2: "Benign". The glutamic acid amino acid residue is found in multiple mammalian species, which suggests that this missense change does not adversely affect protein function. In summary, the available evidence is currently insufficient to determine the role of this variant in disease. Therefore, it has been classified as a Variant of Uncertain Significance.

NM_013447.4(ADGRE2):c.1116C>A (p.Asp372Glu)

Gene: ADGRE2 (adhesion G protein-coupled receptor E2; minus strand). Cytogenetic location: 19p13.12.
Variant type: single nucleotide variant.
Coding change: c.1116C>A on transcript NM_013447.4 (MANE Select); coding-DNA position 1116, C replaced by A.
Protein change: p.Asp372Glu; replaces aspartic acid 372 with glutamic acid.
Molecular consequence: missense variant.
Genome position (GRCh38, 1-based): chr19:14,756,314, G>T on the plus strand (C>A on the coding strand, the complement: ADGRE2 is on the minus strand). VCF-style: chr19-14756314-G-T. GRCh37 (hg19) VCF-style: chr19-14867126-G-T.
Other names: c.1116C>A, p.Asp372Glu (NM_001271052.1); c.969C>A, p.Asp323Glu (NM_152916.2); c.837C>A, p.Asp279Glu (NM_152917.2); short protein forms D279E, D372E, D323E.
Identifiers: ClinVar variation 4727877 (VCV004727877.1).